The following is an entry in ClinVar:

ClinVar aggregate classification (germline): Pathogenic. Review status: criteria provided, multiple submitters, no conflicts (2 of 4 stars). 2 submissions from 2 submitters: Pathogenic (2). Last evaluated 2022-08-23.

Submissions (2):

Labcorp Genetics (formerly Invitae), Labcorp
Classification: Pathogenic. Last evaluated: 2022-08-23. Review status: criteria provided, single submitter. Criteria: Invitae Variant Classification Sherloc (09022015). Collection method: clinical testing. Allele origin: germline.
Comment: For these reasons, this variant has been classified as Pathogenic. ClinVar contains an entry for this variant (Variation ID: 871025). This premature translational stop signal has been observed in individual(s) with clinical features of OPA1-related conditions (PMID: 33841295, 34242285). This variant is not present in population databases (gnomAD no frequency). This sequence change creates a premature translational stop signal (p.Trp578*) in the OPA1 gene. It is expected to result in an absent or disrupted protein product. Loss-of-function variants in OPA1 are known to be pathogenic (PMID: 11440988, 20157015, 20952381, 25012220).

CeGaT Center for Human Genetics Tuebingen
Classification: Pathogenic. Last evaluated: 2018-11-01. Review status: criteria provided, single submitter. Criteria: CeGaT Center For Human Genetics Tuebingen Variant Classification Criteria Version 2. Collection method: clinical testing. Allele origin: germline. Affected: yes. Observed: 1 variant allele.

Literature cited by the submitters: PubMed 33841295 (cited by Labcorp Genetics (formerly Invitae), Labcorp); PubMed 34242285 (cited by Labcorp Genetics (formerly Invitae), Labcorp); PubMed 11440988 (cited by Labcorp Genetics (formerly Invitae), Labcorp); PubMed 20157015 (cited by Labcorp Genetics (formerly Invitae), Labcorp); PubMed 20952381 (cited by Labcorp Genetics (formerly Invitae), Labcorp); PubMed 25012220 (cited by Labcorp Genetics (formerly Invitae), Labcorp).

NM_130837.3(OPA1):c.1899G>A (p.Trp633Ter)

Gene: OPA1 (OPA1 mitochondrial dynamin like GTPase; plus strand). Cytogenetic location: 3q29.
Variant type: single nucleotide variant.
Coding change: c.1899G>A on transcript NM_130837.3 (MANE Select); coding-DNA position 1899, G replaced by A.
Protein change: p.Trp633Ter; replaces tryptophan 633 with a stop codon.
Molecular consequence: nonsense.
Genome position (GRCh38, 1-based): chr3:193,648,098, G>A. VCF-style: chr3-193648098-G-A. GRCh37 (hg19) VCF-style: chr3-193365887-G-A.
Other names: c.1365G>A, p.Trp455Ter (NM_001354663.2); c.1362G>A, p.Trp454Ter (NM_001354664.2); c.1734G>A, p.Trp578Ter (NM_015560.3); c.1626G>A, p.Trp542Ter (NM_130831.3); c.1680G>A, p.Trp560Ter (NM_130832.3); c.1737G>A, p.Trp579Ter (NM_130833.3); c.1788G>A, p.Trp596Ter (NM_130834.3); c.1791G>A, p.Trp597Ter (NM_130835.3); and 1 more; short protein forms W597*, W615*, W454*, W560*, W596*, W455*, W542*, W578*.
Identifiers: ClinVar variation 871025 (VCV000871025.45), dbSNP rs1711514692, ClinGen allele CA355790682.
Genomic context (GRCh38, chr3:193,648,098, plus strand): 5'-TCATCAAACTTGAACTTTTCCTTCTTCCTCAGCAACACGTTTTAACCTTGAAACTGAATG[G>A]AAGAATAACTATCCTCGCCTGCGGGAACTTGACCGGGTAATATTTGGATACTCGTGTATT-3'